The following is an entry in ClinVar:

ClinVar aggregate classification (germline): Uncertain significance (1 of 4 stars; one submission).

Conditions:
Combined oxidative phosphorylation defect type 27. Also called: Combined oxidative phosphorylation deficiency 27. Identifiers: Orphanet 477774, MedGen C5567608, MONDO:0014728, OMIM 616672.

Allele frequency attached by ClinVar (database versions not stated): gnomAD exomes below 0.00001.
gnomAD v4.1: 1 of 1,614,134 alleles (0.000062%); highest among the groups gnomAD compares: Admixed American, 0.0017%; no homozygotes.

Submission:

Labcorp Genetics (formerly Invitae), Labcorp
Classification: Uncertain significance for Combined oxidative phosphorylation defect type 27. Last evaluated: 2024-11-11. Review status: criteria provided, single submitter. Criteria: Invitae Variant Classification Sherloc (09022015). Collection method: clinical testing. Allele origin: germline.
Comment: This sequence change replaces isoleucine, which is neutral and non-polar, with threonine, which is neutral and polar, at codon 453 of the CARS2 protein (p.Ile453Thr). This variant is present in population databases (no rsID available, gnomAD 0.003%). This variant has not been reported in the literature in individuals affected with CARS2-related conditions. ClinVar contains an entry for this variant (Variation ID: 2171301). Invitae Evidence Modeling of protein sequence and biophysical properties (such as structural, functional, and spatial information, amino acid conservation, physicochemical variation, residue mobility, and thermodynamic stability) indicates that this missense variant is not expected to disrupt CARS2 protein function with a negative predictive value of 80%. In summary, the available evidence is currently insufficient to determine the role of this variant in disease. Therefore, it has been classified as a Variant of Uncertain Significance.

NM_024537.4(CARS2):c.1358T>C (p.Ile453Thr)

Gene: CARS2 (cysteinyl-tRNA synthetase 2, mitochondrial; minus strand). Cytogenetic location: 13q34.
Variant type: single nucleotide variant.
Coding change: c.1358T>C on transcript NM_024537.4 (MANE Select); coding-DNA position 1358, T replaced by C.
Protein change: p.Ile453Thr; replaces isoleucine 453 with threonine.
Molecular consequence: missense variant. On other transcripts: non-coding transcript variant (2).
Genome position (GRCh38, 1-based): chr13:110,644,443, A>G on the plus strand (T>C on the coding strand, the complement: CARS2 is on the minus strand). VCF-style: chr13-110644443-A-G. GRCh37 (hg19) VCF-style: chr13-111296790-A-G.
Other names: c.572T>C, p.Ile191Thr (NM_001352252.2); short protein forms I191T, I453T.
Identifiers: ClinVar variation 2171301 (VCV002171301.4), dbSNP rs1464132847, ClinGen allele CA388741962.
Genomic context (GRCh38, chr13:110,644,443, plus strand): 5'-ACCTGTTGATTTGCCAGAGAAATTCCAACAGTTTCAAAAAACTGTTCAAAGTAAGAGATG[A>G]TGGCACCAAACACAGCAGGACTTCTCGGCCCTTCAGGTTCCTGTAAGAGATCATGTCGCA-3'
Protein context (NP_078813.1, residues 443-463): GPRSPAVFGA[Ile453Thr]ISYFEQFFET